The following is an entry in ClinVar:

NM_024782.3(NHEJ1):c.570_573dup (p.Gln192fs)

Gene: NHEJ1 (non-homologous end joining factor 1; minus strand). Cytogenetic location: 2q35.
Variant type: Duplication.
Coding change: c.570_573dup on transcript NM_024782.3 (MANE Select); coding-DNA positions 570 to 573, 4 bases duplicated (GGAA; older notation c.570_573dupGGAA).
Protein change: p.Gln192fs; shifts the reading frame from glutamine 192.
Molecular consequence: frameshift variant. On other transcripts: non-coding transcript variant (1).
Genome position (GRCh38, 1-based): chr2:219,146,695-219,146,698, TTCC duplicated on the plus strand (GGAA on the coding strand, the reverse complement: NHEJ1 is on the minus strand). VCF-style (leftmost placement, unchanged base first): chr2-219146694-G-GTTCC. GRCh37 (hg19) VCF-style: chr2-220011416-G-GTTCC.
Other names: c.570_573dup, p.Gln192fs (NM_001377498.1, NM_001377499.1); c.570_573dupGGAA (NM_024782.2); short protein forms Q192fs.
Identifiers: ClinVar variation 418719 (VCV000418719.2), dbSNP rs1553548393, ClinGen allele CA16617470.

ClinVar aggregate classification (germline): Pathogenic (1 of 4 stars; one submission).

Submission:

GeneDx
Classification: Pathogenic. Last evaluated: 2015-03-30. Review status: criteria provided, single submitter. Criteria: GeneDx Variant Classification (06012015). Collection method: clinical testing. Allele origin: germline. Affected: yes.
Comment: The c.570_573dupGGAA variant in the NHEJ1 gene is predicted to cause loss of normal proteinfunction either through protein truncation or nonsense-mediated mRNA decay. The c.570_573dupGGAAvariant was not observed in approximately 6,500 individuals of European and African American ancestryin the NHLBI Exome Sequencing Project, indicating it is not a common benign variant in these populations. We interpret the c.570_573dupGGAA variant as pathogenic.